The following is an entry in ClinVar:

NM_052865.4(MGME1):c.927G>A (p.Met309Ile)

Gene: MGME1 (mitochondrial genome maintenance exonuclease 1; plus strand). Cytogenetic location: 20p11.23.
Variant type: single nucleotide variant.
Coding change: c.927G>A on transcript NM_052865.4 (MANE Select); coding-DNA position 927, G replaced by A.
Protein change: p.Met309Ile; replaces methionine 309 with isoleucine.
Molecular consequence: missense variant.
Genome position (GRCh38, 1-based): chr20:17,990,001, G>A. VCF-style: chr20-17990001-G-A. GRCh37 (hg19) VCF-style: chr20-17970644-G-A.
Other names: c.972G>A, p.Met324Ile (NM_001310338.2); c.574G>A, p.Gly192Arg (NM_001310339.2); c.687G>A, p.Met229Ile (NM_001363738.2); short protein forms M309I, M229I, G192R, M324I.
Identifiers: ClinVar variation 1963751 (VCV001963751.5), dbSNP rs766698211, ClinGen allele CA9775073.

ClinVar aggregate classification (germline): Uncertain significance (1 of 4 stars; one submission).

Allele frequency attached by ClinVar (database versions not stated): TOPMed 0.00001; ExAC 0.00002; gnomAD 0.00001; gnomAD exomes 0.00001.
gnomAD v4.1: 18 of 1,614,034 alleles (0.0011%); highest among the groups gnomAD compares: Non-Finnish European, 0.0015%; no homozygotes.

Submission:

Labcorp Genetics (formerly Invitae), Labcorp
Classification: Uncertain significance. Last evaluated: 2022-04-08. Review status: criteria provided, single submitter. Criteria: Invitae Variant Classification Sherloc (09022015). Collection method: clinical testing. Allele origin: germline.
Comment: This sequence change replaces methionine, which is neutral and non-polar, with isoleucine, which is neutral and non-polar, at codon 309 of the MGME1 protein (p.Met309Ile). In summary, the available evidence is currently insufficient to determine the role of this variant in disease. Therefore, it has been classified as a Variant of Uncertain Significance. Algorithms developed to predict the effect of missense changes on protein structure and function (SIFT, PolyPhen-2, Align-GVGD) all suggest that this variant is likely to be tolerated. This variant has not been reported in the literature in individuals affected with MGME1-related conditions. This variant is present in population databases (rs766698211, gnomAD 0.003%).